The following is an entry in ClinVar:

ClinVar aggregate classification (germline): Uncertain significance (1 of 4 stars; one submission).

gnomAD v4.1: 3 of 1,610,082 alleles (0.00019%); highest among the groups gnomAD compares: Non-Finnish European, 0.00025%; no homozygotes.

Submission:

Labcorp Genetics (formerly Invitae), Labcorp
Classification: Uncertain significance. Last evaluated: 2025-03-22. Review status: criteria provided, single submitter. Criteria: Invitae Variant Classification Sherloc (09022015). Collection method: clinical testing. Allele origin: germline.
Comment: This sequence change replaces glutamic acid, which is acidic and polar, with lysine, which is basic and polar, at codon 524 of the HK1 protein (p.Glu524Lys). This variant also falls at the last nucleotide of exon 10, which is part of the consensus splice site for this exon. The frequency data for this variant in the population databases is considered unreliable, as metrics indicate poor data quality at this position in the gnomAD database. This variant has not been reported in the literature in individuals affected with HK1-related conditions. An algorithm developed to predict the effect of missense changes on protein structure and function (PolyPhen-2) suggests that this variant is likely to be disruptive. Variants that disrupt the consensus splice site are a relatively common cause of aberrant splicing (PMID: 17576681, 9536098). Algorithms developed to predict the effect of sequence changes on RNA splicing suggest that this variant may disrupt the consensus splice site. In summary, the available evidence is currently insufficient to determine the role of this variant in disease. Therefore, it has been classified as a Variant of Uncertain Significance.

Literature cited by the submitters: PubMed 17576681; PubMed 9536098.

NM_000188.3(HK1):c.1570G>A (p.Glu524Lys)

Gene: HK1 (hexokinase 1; plus strand). Cytogenetic location: 10q22.1.
Variant type: single nucleotide variant.
Coding change: c.1570G>A on transcript NM_000188.3 (MANE Select); coding-DNA position 1570, G replaced by A.
Protein change: p.Glu524Lys; replaces glutamic acid 524 with lysine.
Molecular consequence: missense variant. On other transcripts: non-coding transcript variant (2).
Genome position (GRCh38, 1-based): chr10:69,382,791, G>A. VCF-style: chr10-69382791-G-A. GRCh37 (hg19) VCF-style: chr10-71142547-G-A.
Other names: c.1582G>A, p.Glu528Lys (NM_001322364.2, NM_001358263.1, NM_033497.3 and 1 more transcripts); c.1675G>A, p.Glu559Lys (NM_001322365.2); c.1486G>A, p.Glu496Lys (NM_001322366.1, NM_001441143.1); c.1474G>A, p.Glu492Lys (NM_001322367.1); c.1570G>A, p.Glu524Lys (NM_001441139.1, NM_001441141.1, NM_001441145.1 and 2 more transcripts); c.1561G>A, p.Glu521Lys (NM_001441140.1); c.1528G>A, p.Glu510Lys (NM_001441142.1); c.1450G>A, p.Glu484Lys (NM_001441144.1); and 8 more; short protein forms E402K, E492K, E496K, E510K, E521K, E523K, E450K, E559K.
Identifiers: ClinVar variation 4767103 (VCV004767103.1).